The following is an entry in ClinVar:

NM_003072.5(SMARCA4):c.4270C>G (p.Pro1424Ala)

Gene: SMARCA4 (SWI/SNF related BAF chromatin remodeling complex subunit ATPase 4; plus strand). Cytogenetic location: 19p13.2.
Variant type: single nucleotide variant.
Coding change: c.4270C>G on transcript NM_003072.5 (MANE Select); coding-DNA position 4270, C replaced by G.
Protein change: p.Pro1424Ala; replaces proline 1424 with alanine.
Molecular consequence: missense variant. On other transcripts: non-coding transcript variant (1).
Genome position (GRCh38, 1-based): chr19:11,041,406, C>G. VCF-style: chr19-11041406-C-G. GRCh37 (hg19) VCF-style: chr19-11152082-C-G.
Other names: c.4270C>G, p.Pro1424Ala (NM_001128844.3); c.4180C>G, p.Pro1394Ala (NM_001128845.2, NM_001128846.2); c.4171C>G, p.Pro1391Ala (NM_001128847.4, NM_001128848.2, NM_001374457.1); c.4366C>G, p.Pro1456Ala (NM_001128849.3, NM_001387283.1); c.4267C>G, p.Pro1423Ala (NM_001411150.1); short protein forms P1424A, P1394A, P1456A, P1391A, P1423A.
Identifiers: ClinVar variation 2125163 (VCV002125163.4), dbSNP rs866735560, ClinGen allele CA404073427.

ClinVar aggregate classification (germline): Uncertain significance (1 of 4 stars; one submission).

Conditions:
Rhabdoid tumor predisposition syndrome 2 (RTPS2). Identifiers: Orphanet 231108, Orphanet 69077, MedGen C2750074, MONDO:0013224, OMIM 613325.

Submission:

Labcorp Genetics (formerly Invitae), Labcorp
Classification: Uncertain significance for Rhabdoid tumor predisposition syndrome 2. Last evaluated: 2023-08-24. Review status: criteria provided, single submitter. Criteria: Invitae Variant Classification Sherloc (09022015). Collection method: clinical testing. Allele origin: germline.
Comment: In summary, the available evidence is currently insufficient to determine the role of this variant in disease. Therefore, it has been classified as a Variant of Uncertain Significance. Advanced modeling of protein sequence and biophysical properties (such as structural, functional, and spatial information, amino acid conservation, physicochemical variation, residue mobility, and thermodynamic stability) has been performed at Invitae for this missense variant, however the output from this modeling did not meet the statistical confidence thresholds required to predict the impact of this variant on SMARCA4 protein function. ClinVar contains an entry for this variant (Variation ID: 2125163). This variant has not been reported in the literature in individuals affected with SMARCA4-related conditions. This variant is not present in population databases (gnomAD no frequency). This sequence change replaces proline, which is neutral and non-polar, with alanine, which is neutral and non-polar, at codon 1456 of the SMARCA4 protein (p.Pro1456Ala).